The following is an entry in ClinVar:

ClinVar aggregate classification (germline): Pathogenic. Review status: criteria provided, multiple submitters, no conflicts (2 of 4 stars). 3 submissions from 3 submitters: Pathogenic (2). 1 of the submissions does not count toward it. Last evaluated 2020-05-26.

Conditions:
Microcephaly 8, primary, autosomal recessive. Identifiers: Orphanet 2512, MedGen C3553414, MONDO:0013849, OMIM 614673.

Submissions (3):

Victorian Clinical Genetics Services, Murdoch Childrens Research Institute
Classification: Pathogenic for Microcephaly 8, primary, autosomal recessive. Last evaluated: 2020-05-26. Review status: criteria provided, single submitter. Criteria: ACMG Guidelines, 2015. Collection method: clinical testing. Allele origin: germline. Inheritance: Autosomal recessive inheritance.
Comment: Based on the classification scheme VCGS_Germline_v1.1.1, this variant is classified as pathogenic. Following criteria are met: 0102 - Loss-of-function is a known mechanism of disease for this gene. (N) 0106 - This gene is known to be associated with autosomal recessive disease. (N) 0201 - Variant is predicted to cause nonsense-mediated decay (NMD) and loss of protein (exon 11 of 26). (P) 0251 - Variant is heterozygous. (N) 0304 - Variant is present in gnomAD <0.01 for a recessive condition (3 heterozygotes, 0 homozygotes). (P) 0402 - Variant is located in a gene associated with a severe early onset recessive condition that is intolerant to bi-allelic loss-of-function variants. (P) 0702 - Comparable variants also predicted to result in NMD, have strong previous evidence for pathogenicity in patients with microcephaly and dwarfism (PMID: 30214071, ClinVar). (P) 0807 - Variant has not previously been reported in a clinical context. (N) 0905 - No segregation evidence has been identified for this variant. (N) 1007 - No published functional evidence has been identified for this variant. (N) 1208 - Inheritance information for this variant is not currently available. (N) Legend: (P) - Pathogenic, (N) - Neutral, (B) - Benign

Neuberg Centre For Genomic Medicine, NCGM
Classification: Pathogenic for Microcephaly 8, primary, autosomal recessive. Review status: criteria provided, single submitter. Criteria: ACMG Guidelines, 2015. Collection method: clinical testing. Allele origin: germline. Affected: yes.

Genetics, Fernandez Hospital, Fernandez Foundation
Classification: Pathogenic for Microcephaly 8, primary, autosomal recessive. Review status: no assertion criteria provided. Collection method: clinical testing. Allele origin: inherited. Affected: yes. Not counted in ClinVar's aggregate classification.

Literature cited by the submitters: PubMed 30214071 (cited by Victorian Clinical Genetics Services, Murdoch Childrens Research Institute).

NM_025009.5(CEP135):c.1376_1379del (p.Lys459fs)

Gene: CEP135 (centrosomal protein 135; plus strand). Cytogenetic location: 4q12.
Variant type: Microsatellite.
Coding change: c.1376_1379del on transcript NM_025009.5 (MANE Select); coding-DNA positions 1376 to 1379, 4 bases deleted (AAGA; older notation c.1376_1379delAAGA).
Protein change: p.Lys459fs; shifts the reading frame from lysine 459.
Molecular consequence: frameshift variant.
Genome position (GRCh38, 1-based): chr4:55,974,872-55,974,875, AAGA deleted; deleting any 4 consecutive bases within chr4:55,974,868-55,974,875 gives the same sequence; the c. name uses the placement nearest the transcript's 3' end. VCF-style (leftmost placement, unchanged base first): chr4-55974867-TAAGA-T. GRCh37 (hg19) VCF-style: chr4-56841033-TAAGA-T.
Other names: c.1376_1379delAAGA (NM_025009.4); short protein forms K459fs.
Identifiers: ClinVar variation 1012269 (VCV001012269.3), dbSNP rs777869134, ClinGen allele CA2927848.